The following is an entry in ClinVar:

NM_053013.4(ENO3):c.1198C>T (p.Arg400Cys)

Gene: ENO3 (enolase 3; plus strand). Cytogenetic location: 17p13.2.
Variant type: single nucleotide variant.
Coding change: c.1198C>T on transcript NM_053013.4 (MANE Select); coding-DNA position 1198, C replaced by T.
Protein change: p.Arg400Cys; replaces arginine 400 with cysteine.
Molecular consequence: missense variant.
Genome position (GRCh38, 1-based): chr17:4,956,852, C>T. VCF-style: chr17-4956852-C-T. GRCh37 (hg19) VCF-style: chr17-4860147-C-T.
Other names: c.1069C>T, p.Arg357Cys (NM_001193503.2); c.1198C>T, p.Arg400Cys (NM_001374523.1, NM_001976.5); c.1225C>T, p.Arg409Cys (NM_001374524.1); short protein forms R400C, R409C, R357C.
Identifiers: ClinVar variation 850528 (VCV000850528.9), dbSNP rs534374372, ClinGen allele CA8316601.

ClinVar aggregate classification (germline): Uncertain significance. Review status: criteria provided, multiple submitters, no conflicts (2 of 4 stars). 2 submissions from 2 submitters: Uncertain significance (2). Last evaluated 2022-12-13.

Conditions:
Inborn genetic diseases. Identifiers: MedGen C0950123, MeSH D030342.
Glycogen storage disease due to muscle beta-enolase deficiency (GSD13). Also called: ENOLASE 3 DEFICIENCY; ENOLASE-BETA DEFICIENCY; GSD XIII; Glycogen Storage Disease Type XIII. Identifiers: Orphanet 99849, MedGen C2752027, MONDO:0013046, OMIM 612932.

Allele frequency attached by ClinVar (database versions not stated): gnomAD 0.00001 and 0.00002; gnomAD exomes 0.00003 and 0.00005; TOPMed 0.00003; ExAC 0.00006; 1000 Genomes Project 30x 0.00016; 1000 Genomes Project 0.00020.

Submissions (2):

Ambry Genetics
Classification: Uncertain significance for Inborn genetic diseases. Last evaluated: 2022-12-13. Review status: criteria provided, single submitter. Criteria: Ambry Variant Classification Scheme 2023. Collection method: clinical testing. Allele origin: germline.

Labcorp Genetics (formerly Invitae), Labcorp
Classification: Uncertain significance for Glycogen storage disease due to muscle beta-enolase deficiency. Last evaluated: 2022-11-01. Review status: criteria provided, single submitter. Criteria: Invitae Variant Classification Sherloc (09022015). Collection method: clinical testing. Allele origin: germline.
Comment: In summary, the available evidence is currently insufficient to determine the role of this variant in disease. Therefore, it has been classified as a Variant of Uncertain Significance. Advanced modeling of protein sequence and biophysical properties (such as structural, functional, and spatial information, amino acid conservation, physicochemical variation, residue mobility, and thermodynamic stability) performed at Invitae indicates that this missense variant is expected to disrupt ENO3 protein function. ClinVar contains an entry for this variant (Variation ID: 850528). This variant has not been reported in the literature in individuals affected with ENO3-related conditions. This variant is present in population databases (rs534374372, gnomAD 0.05%). This sequence change replaces arginine, which is basic and polar, with cysteine, which is neutral and slightly polar, at codon 400 of the ENO3 protein (p.Arg400Cys).